The following is an entry in ClinVar:

NM_000170.3(GLDC):c.2329G>A (p.Ala777Thr)

Gene: GLDC (glycine decarboxylase; minus strand). Cytogenetic location: 9p24.1.
Variant type: single nucleotide variant.
Coding change: c.2329G>A on transcript NM_000170.3 (MANE Select); coding-DNA position 2329, G replaced by A.
Protein change: p.Ala777Thr; replaces alanine 777 with threonine.
Molecular consequence: missense variant.
Genome position (GRCh38, 1-based): chr9:6,553,496, C>T on the plus strand (G>A on the coding strand, the complement: GLDC is on the minus strand). VCF-style: chr9-6553496-C-T. GRCh37 (hg19) VCF-style: chr9-6553496-C-T.
Other names: short protein forms A777T.
Identifiers: ClinVar variation 2144647 (VCV002144647.2), dbSNP rs778484895, ClinGen allele CA4980259.

ClinVar aggregate classification (germline): Uncertain significance. Review status: criteria provided, multiple submitters, no conflicts (2 of 4 stars). 2 submissions from 2 submitters: Uncertain significance (2). Last evaluated 2024-07-24.

Conditions:
Glycine encephalopathy. Also called: Non-ketotic hyperglycinemia; Nonketotic hyperglycinemia. Identifiers: Orphanet 407, MedGen C0751748, MONDO:0011612, HP:0008288.

Allele frequency attached by ClinVar (database versions not stated): ExAC 0.00001; gnomAD 0.00002.
gnomAD v4.1: 36 of 1,611,540 alleles (0.0022%); highest among the groups gnomAD compares: South Asian, 0.0033%; no homozygotes.

Submissions (2):

GeneDx
Classification: Uncertain significance. Last evaluated: 2024-07-24. Review status: criteria provided, single submitter. Criteria: GeneDx Variant Classification Process June 2021. Collection method: clinical testing. Allele origin: germline. Affected: yes.
Comment: Not observed at significant frequency in large population cohorts (gnomAD); In silico analysis indicates that this missense variant does not alter protein structure/function; Has not been previously published as pathogenic or benign to our knowledge

Labcorp Genetics (formerly Invitae), Labcorp
Classification: Uncertain significance for Glycine encephalopathy. Last evaluated: 2022-07-12. Review status: criteria provided, single submitter. Criteria: Invitae Variant Classification Sherloc (09022015). Collection method: clinical testing. Allele origin: germline.
Comment: This sequence change replaces alanine, which is neutral and non-polar, with threonine, which is neutral and polar, at codon 777 of the GLDC protein (p.Ala777Thr). This variant is present in population databases (rs778484895, gnomAD 0.003%). This variant has not been reported in the literature in individuals affected with GLDC-related conditions. Advanced modeling of protein sequence and biophysical properties (such as structural, functional, and spatial information, amino acid conservation, physicochemical variation, residue mobility, and thermodynamic stability) performed at Invitae indicates that this missense variant is not expected to disrupt GLDC protein function. In summary, the available evidence is currently insufficient to determine the role of this variant in disease. Therefore, it has been classified as a Variant of Uncertain Significance.